The following is an entry in ClinVar:

ClinVar aggregate classification (germline): Uncertain significance (1 of 4 stars; one submission).

Submission:

ISCA site 4
Classification: Uncertain significance. Last evaluated: 2011-08-12. Review status: criteria provided, single submitter. Criteria: Kaminsky et al. (Genet Med. 2011). Collection method: clinical testing. Allele origin: maternal. Affected: yes. Observed: 1 variant allele.
Comment: Copy number variation identified through the course of routine clinical cytogenomic testing in postnatal populations. Clinical assertions have been curated as described in Kaminsky et al. 2011.

GRCh38/hg38 14q32.33(chr14:105141364-106855263)x1

Genes: BRF1 (BRF1 RNA polymerase III transcription initiation factor subunit; minus strand), BTBD6 (BTB domain containing 6; plus strand), CRIP1 (cysteine rich protein 1; plus strand), CRIP2 (cysteine rich protein 2; plus strand), FAM30A (family with sequence similarity 30 member A; plus strand) and 151 more. Cytogenetic location: 14q32.33.
Variant type: copy number loss.
Change: copy number 1 (one copy instead of two) of chr14:105,141,364-106,855,263 (1.71 Mb, GRCh38 coordinates, 1-based), cytogenetic band 14q32.33.
Identifiers: ClinVar variation 57494 (VCV000057494.1).